The following is an entry in ClinVar:

NM_052947.4(ALPK2):c.695A>G (p.His232Arg)

Genes: ALPK2 (alpha kinase 2; minus strand), LOC114803473 (ALPK2 eExon liver enhancer; plus strand). Cytogenetic location: 18q21.31.
Variant type: single nucleotide variant.
Coding change: c.695A>G on transcript NM_052947.4 (MANE Select); coding-DNA position 695, A replaced by G.
Protein change: p.His232Arg; replaces histidine 232 with arginine.
Molecular consequence: missense variant.
Genome position (GRCh38, 1-based): chr18:58,580,081, T>C on the plus strand (A>G on the coding strand, the complement: ALPK2 is on the minus strand). VCF-style: chr18-58580081-T-C. GRCh37 (hg19) VCF-style: chr18-56247313-T-C.
Other names: short protein forms H232R.
Identifiers: ClinVar variation 3228865 (VCV003228865.1), dbSNP rs2518899946, ClinGen allele CA402567414.

ClinVar aggregate classification (germline): Uncertain significance (1 of 4 stars; one submission).

Allele frequency attached by ClinVar (database versions not stated): gnomAD exomes below 0.00001.
gnomAD v4.1: 1 of 1,614,282 alleles (0.000062%); highest among the groups gnomAD compares: East Asian, 0.0022%; no homozygotes.

Submission:

Ambry Genetics
Classification: Uncertain significance. Last evaluated: 2024-02-11. Review status: criteria provided, single submitter. Criteria: Ambry Variant Classification Scheme 2023. Collection method: clinical testing. Allele origin: germline.
Comment: The p.H232R variant (also known as c.695A>G), located in coding exon 3 of the ALPK2 gene, results from an A to G substitution at nucleotide position 695. The histidine at codon 232 is replaced by arginine, an amino acid with highly similar properties. This amino acid position is conserved. In addition, this alteration is predicted to be tolerated by in silico analysis. Based on the available evidence, the clinical significance of this alteration remains unclear.